The following is an entry in ClinVar:

ClinVar aggregate classification (germline): Benign/Likely benign. Review status: criteria provided, multiple submitters, no conflicts (2 of 4 stars). 3 submissions from 3 submitters: Benign (2); Likely benign (1). Last evaluated 2025-12-21.

Conditions:
Mowat-Wilson syndrome (MOWS). Also called: Classic Mowat-Wilson Syndrome. Identifiers: Orphanet 2152, MedGen C1856113, MONDO:0009341, OMIM 235730.

Submissions (3):

Labcorp Genetics (formerly Invitae), Labcorp
Classification: Likely benign for Mowat-Wilson syndrome. Last evaluated: 2025-12-21. Review status: criteria provided, single submitter. Criteria: Invitae Variant Classification Sherloc (09022015). Collection method: clinical testing. Allele origin: germline.

Centre for Mendelian Genomics, University Medical Centre Ljubljana
Classification: Benign for Mowat-Wilson syndrome. Last evaluated: 2019-03-08. Review status: criteria provided, single submitter. Criteria: ACMG Guidelines, 2015. Collection method: clinical testing. Allele origin: unknown. Affected: yes.
Comment: This variant was classified as: Benign. The following ACMG criteria were applied in classifying this variant: BS1,BS2.

GeneDx
Classification: Benign. Last evaluated: 2015-07-07. Review status: criteria provided, single submitter. Criteria: GeneDx Variant Classification (06012015). Collection method: clinical testing. Allele origin: germline. Affected: yes.
Comment: This variant is considered likely benign or benign based on one or more of the following criteria: it is a conservative change, it occurs at a poorly conserved position in the protein, it is predicted to be benign by multiple in silico algorithms, and/or has population frequency not consistent with disease.

NM_014795.4(ZEB2):c.593-18_593-17insTG

Gene: ZEB2 (zinc finger E-box binding homeobox 2; minus strand). Cytogenetic location: 2q22.3.
Variant type: Insertion.
Coding change: c.593-18_593-17insTG on transcript NM_014795.4 (MANE Select); 18 bases into the intron before coding-DNA position 593 through 17 bases into the intron before coding-DNA position 593, TG inserted.
Molecular consequence: intron variant.
Genome position: GRCh38 VCF-style: chr2-144404147-G-GAC. GRCh37 (hg19) VCF-style: chr2-145161714-G-GAC.
Other names: c.521-18_521-17insTG (NM_001171653.2).
Identifiers: ClinVar variation 418552 (VCV000418552.11), dbSNP rs776927209, ClinGen allele CA1898440.